The following is an entry in ClinVar:

NM_000264.5(PTCH1):c.758C>T (p.Pro253Leu)

Gene: PTCH1 (patched 1; minus strand). Cytogenetic location: 9q22.32.
Variant type: single nucleotide variant.
Coding change: c.758C>T on transcript NM_000264.5 (MANE Select); coding-DNA position 758, C replaced by T.
Protein change: p.Pro253Leu; replaces proline 253 with leucine.
Molecular consequence: missense variant. On other transcripts: non-coding transcript variant (1).
Genome position (GRCh38, 1-based): chr9:95,480,577, G>A on the plus strand (C>T on the coding strand, the complement: PTCH1 is on the minus strand). VCF-style: chr9-95480577-G-A. GRCh37 (hg19) VCF-style: chr9-98242859-G-A.
Other names: c.560C>T, p.Pro187Leu (NM_001083602.3); c.755C>T, p.Pro252Leu (NM_001083603.3); c.305C>T, p.Pro102Leu (NM_001083604.3, NM_001083605.3, NM_001083606.3 and 1 more transcripts); c.758C>T, p.Pro253Leu (NM_001354918.2); short protein forms P187L, P253L, P102L, P252L.
Identifiers: ClinVar variation 4675361 (VCV004675361.1).
Genomic context (GRCh38, chr9:95,480,577, plus strand): 5'-TAGTTTATTTTCTTTAACTCTTCCAGGAATTCCAAAGGGTCGAAGTTTGTCCACCGCAAA[G>A]GAGGTTTACCTCTGCAAAAGAAATTAGGAGACGAGACCATGAAAAGAGCCTTCTAAACGC-3'
Protein context (NP_000255.2, residues 243-263): SGTAYLLGKP[Pro253Leu]LRWTNFDPLE

ClinVar aggregate classification (germline): Uncertain significance (1 of 4 stars; one submission).

Conditions:
Hereditary cancer-predisposing syndrome. Also called: Neoplastic Syndromes, Hereditary; Tumor predisposition; Hereditary Cancer Syndrome; Hereditary neoplastic syndrome. Identifiers: Orphanet 140162, MedGen C0027672, MeSH D009386, MONDO:0015356.

Submission:

Ambry Genetics
Classification: Uncertain significance for Hereditary cancer-predisposing syndrome. Last evaluated: 2025-09-17. Review status: criteria provided, single submitter. Criteria: Ambry Variant Classification Scheme 2023. Collection method: clinical testing. Allele origin: germline.
Comment: The p.P253L variant (also known as c.758C>T), located in coding exon 6 of the PTCH1 gene, results from a C to T substitution at nucleotide position 758. The proline at codon 253 is replaced by leucine, an amino acid with similar properties. This amino acid position is conserved. In addition, the in silico prediction for this alteration is inconclusive. Based on the available evidence, the clinical significance of this variant remains unclear.